The following is an entry in ClinVar:

ClinVar aggregate classification (germline): Pathogenic. Review status: criteria provided, multiple submitters, no conflicts (2 of 4 stars). 5 submissions from 5 submitters: Pathogenic (5). Last evaluated 2024-06-01.

Conditions:
DMD-related disorder. Also called: DMD-related condition.
Duchenne muscular dystrophy (DMD). Also called: MUSCULAR DYSTROPHY, PSEUDOHYPERTROPHIC PROGRESSIVE, DUCHENNE TYPE; Duchenne Muscular Dystrophy (DMD). Identifiers: Orphanet 98896, MedGen C0013264, MONDO:0010679, OMIM 310200.

Submissions (5):

CeGaT Center for Human Genetics Tuebingen
Classification: Pathogenic. Last evaluated: 2024-06-01. Review status: criteria provided, single submitter. Criteria: CeGaT Center For Human Genetics Tuebingen Variant Classification Criteria Version 2. Collection method: clinical testing. Allele origin: germline. Affected: yes. Observed: 1 variant allele.
Comment: DMD: PVS1, PM2, PS4:Moderate

Blueprint Genetics
Classification: Pathogenic for DMD-related disorders. Last evaluated: 2023-08-15. Review status: criteria provided, single submitter. Criteria: ACMG Guidelines, 2015. Collection method: clinical testing. Allele origin: germline. Affected: yes. Observed: 1 variant allele.

Revvity Omics, Revvity
Classification: Pathogenic. Last evaluated: 2020-12-04. Review status: criteria provided, single submitter. Criteria: ACMG Guidelines, 2015. Collection method: clinical testing. Allele origin: germline.

Labcorp Genetics (formerly Invitae), Labcorp
Classification: Pathogenic for Duchenne muscular dystrophy. Last evaluated: 2020-08-30. Review status: criteria provided, single submitter. Criteria: Invitae Variant Classification Sherloc (09022015). Collection method: clinical testing. Allele origin: germline.
Comment: This variant is not present in population databases (ExAC no frequency). This variant has been reported in individuals in the Leiden Open-source Variation Database (PMID: 16770791). ClinVar contains an entry for this variant (Variation ID: 94619). Loss-of-function variants in DMD are known to be pathogenic (PMID: 16770791, 25007885). For these reasons, this variant has been classified as Pathogenic. This sequence change creates a premature translational stop signal (p.Arg1439Serfs*6) in the DMD gene. It is expected to result in an absent or disrupted protein product.

Mendelics
Classification: Pathogenic for Duchenne muscular dystrophy. Last evaluated: 2019-05-28. Review status: criteria provided, single submitter. Criteria: Mendelics Assertion Criteria 2017. Collection method: clinical testing. Allele origin: unknown.

Literature cited by the submitters: PubMed 16770791 (cited by Labcorp Genetics (formerly Invitae), Labcorp); PubMed 25007885 (cited by Labcorp Genetics (formerly Invitae), Labcorp).

NM_004006.3(DMD):c.4314_4315del (p.Arg1439fs)

Gene: DMD (dystrophin; minus strand). Cytogenetic location: Xp21.1.
Variant type: Deletion.
Coding change: c.4314_4315del on transcript NM_004006.3 (MANE Select); coding-DNA positions 4314 to 4315, 2 bases deleted (AA; older notation c.4314_4315delAA).
Protein change: p.Arg1439fs; shifts the reading frame from arginine 1439.
Molecular consequence: frameshift variant.
Genome position (GRCh38, 1-based): chrX:32,390,100-32,390,101, TT deleted on the plus strand (AA on the coding strand, the reverse complement: DMD is on the minus strand); deleting any 2 consecutive bases within chrX:32,390,100-32,390,102 gives the same sequence; the c. name uses the placement nearest the transcript's 3' end. VCF-style (leftmost placement, unchanged base first): chrX-32390099-CTT-C. GRCh37 (hg19) VCF-style: chrX-32408216-CTT-C.
Other names: c.4314_4315delAA (NM_004006.2); c.4290_4291del, p.Arg1431fs (NM_000109.4); c.4302_4303del, p.Arg1435fs (NM_004009.3); c.3945_3946del, p.Arg1316fs (NM_004010.3); c.291_292del, p.Arg98fs (NM_004011.4); c.282_283del, p.Arg95fs (NM_004012.4); short protein forms R1316fs, R1431fs, R95fs, R1435fs, R1439fs, R98fs.
Identifiers: ClinVar variation 94619 (VCV000094619.33), dbSNP rs398123950, ClinGen allele CA267020.